The following is an entry in ClinVar:

ClinVar aggregate classification (germline): Pathogenic (1 of 4 stars; one submission).

Conditions:
Mitochondrial hypertrophic cardiomyopathy with lactic acidosis due to MTO1 deficiency. Also called: Combined oxidative phosphorylation deficiency 10; CARDIOMYOPATHY, INFANTILE HYPERTROPHIC MITOCHONDRIAL, AND LACTIC ACIDOSIS. Identifiers: Orphanet 314637, MedGen C4749921, MONDO:0013865, OMIM 614702.

Submission:

Labcorp Genetics (formerly Invitae), Labcorp
Classification: Pathogenic for Mitochondrial hypertrophic cardiomyopathy with lactic acidosis due to MTO1 deficiency. Last evaluated: 2023-12-11. Review status: criteria provided, single submitter. Criteria: Invitae Variant Classification Sherloc (09022015). Collection method: clinical testing. Allele origin: germline.
Comment: This sequence change creates a premature translational stop signal (p.Arg242Glufs*12) in the MTO1 gene. It is expected to result in an absent or disrupted protein product. Loss-of-function variants in MTO1 are known to be pathogenic (PMID: 22608499, 25058219). This variant is not present in population databases (gnomAD no frequency). This variant has not been reported in the literature in individuals affected with MTO1-related conditions. ClinVar contains an entry for this variant (Variation ID: 2016252). For these reasons, this variant has been classified as Pathogenic.

Literature cited by the submitters: PubMed 22608499; PubMed 25058219.

NM_012123.4(MTO1):c.724del (p.Arg242fs)

Gene: MTO1 (mitochondrial tRNA translation optimization 1; plus strand). Cytogenetic location: 6q13.
Variant type: Deletion.
Coding change: c.724del on transcript NM_012123.4 (MANE Select); coding-DNA position 724, one base deleted (C; older notation c.724delC).
Protein change: p.Arg242fs; shifts the reading frame from arginine 242.
Molecular consequence: frameshift variant.
Genome position (GRCh38, 1-based): chr6:73,473,553, C deleted; the last of 4 consecutive C bases (chr6:73,473,550-73,473,553); deleting any one gives the same sequence. VCF-style (leftmost placement, unchanged base first): chr6-73473549-AC-A. GRCh37 (hg19) VCF-style: chr6-74183272-AC-A.
Other names: c.724del, p.Arg242fs (NM_001123226.2, NM_133645.3); short protein forms R242fs.
Identifiers: ClinVar variation 2016252 (VCV002016252.4), dbSNP rs2533261350, ClinGen allele CA2580075759.